The following is an entry in ClinVar:

ClinVar aggregate classification (germline): Uncertain significance. Review status: criteria provided, multiple submitters, no conflicts (2 of 4 stars). 4 submissions from 3 submitters: Uncertain significance (4). Last evaluated 2022-08-12.

Conditions:
Emery-Dreifuss muscular dystrophy 4, autosomal dominant (EDMD4). Also called: EMERY-DREIFUSS MUSCULAR DYSTROPHY 4 WITH VARIABLE FEATURES. Identifiers: Orphanet 261, MedGen C2751807, MONDO:0013071, OMIM 612998.
Autosomal recessive ataxia, Beauce type. Also called: ATAXIA, RECESSIVE, OF BEAUCE; Spinocerebellar ataxia, autosomal recessive 8; SYNE1 Deficiency; SYNE1-Related Autosomal Recessive Cerebellar Ataxia. Identifiers: Orphanet 88644, MedGen C1853116, MONDO:0012549, OMIM 610743.

Allele frequency attached by ClinVar (database versions not stated): TOPMed 0.00002; ExAC 0.00003; gnomAD 0.00003 and 0.00004; gnomAD exomes 0.00003.
gnomAD v4.1: 80 of 1,608,234 alleles (0.005%); highest among the groups gnomAD compares: Non-Finnish European, 0.0066%; no homozygotes.

Submissions (4):

Labcorp Genetics (formerly Invitae), Labcorp
Classification: Uncertain significance for Emery-Dreifuss muscular dystrophy 4, autosomal dominant; Autosomal recessive ataxia, Beauce type. Last evaluated: 2022-08-12. Review status: criteria provided, single submitter. Criteria: Invitae Variant Classification Sherloc (09022015). Collection method: clinical testing. Allele origin: germline.
Comment: This sequence change falls in intron 10 of the SYNE1 gene. It does not directly change the encoded amino acid sequence of the SYNE1 protein. It affects a nucleotide within the consensus splice site. This variant is present in population databases (rs749258298, gnomAD 0.006%). This variant has not been reported in the literature in individuals affected with SYNE1-related conditions. ClinVar contains an entry for this variant (Variation ID: 905957). Variants that disrupt the consensus splice site are a relatively common cause of aberrant splicing (PMID: 17576681, 9536098). Algorithms developed to predict the effect of sequence changes on RNA splicing suggest that this variant may disrupt the consensus splice site. In summary, the available evidence is currently insufficient to determine the role of this variant in disease. Therefore, it has been classified as a Variant of Uncertain Significance.

CeGaT Center for Human Genetics Tuebingen
Classification: Uncertain significance. Last evaluated: 2022-05-01. Review status: criteria provided, single submitter. Criteria: CeGaT Center For Human Genetics Tuebingen Variant Classification Criteria Version 2. Collection method: clinical testing. Allele origin: germline. Affected: yes. Observed: 1 variant allele.
Comment: SYNE1: PM2

Illumina Laboratory Services, Illumina
Classification: Uncertain significance for Emery-Dreifuss muscular dystrophy 4, autosomal dominant. Last evaluated: 2018-01-13. Review status: criteria provided, single submitter. Criteria: ICSL Variant Classification Criteria 13 December 2019. Collection method: clinical testing. Allele origin: germline.

Illumina Laboratory Services, Illumina
Classification: Uncertain significance for Autosomal recessive ataxia, Beauce type. Last evaluated: 2018-01-13. Review status: criteria provided, single submitter. Criteria: ICSL Variant Classification Criteria 13 December 2019. Collection method: clinical testing. Allele origin: germline.

Literature cited by the submitters: PubMed 17576681 (cited by Labcorp Genetics (formerly Invitae), Labcorp); PubMed 9536098 (cited by Labcorp Genetics (formerly Invitae), Labcorp).

NM_182961.4(SYNE1):c.888+4G>C

Gene: SYNE1 (spectrin repeat containing nuclear envelope protein 1; minus strand). Cytogenetic location: 6q25.2.
Variant type: single nucleotide variant.
Coding change: c.888+4G>C on transcript NM_182961.4 (MANE Select); 4 bases into the intron after coding-DNA position 888, G replaced by C.
Molecular consequence: intron variant.
Genome position (GRCh38, 1-based): chr6:152,502,629, C>G on the plus strand (G>C on the coding strand, the complement: SYNE1 is on the minus strand). VCF-style: chr6-152502629-C-G. GRCh37 (hg19) VCF-style: chr6-152823764-C-G.
Other names: c.909+4G>C (NM_033071.5).
Identifiers: ClinVar variation 905957 (VCV000905957.34), dbSNP rs749258298, ClinGen allele CA4059598.
Genomic context (GRCh38, chr6:152,502,629, plus strand): 5'-ACTCAAAAAGCTGAGTCACTGTCATTGCATATACCAGTGATACTTGAAGAAAGCAAATAC[C>G]TACATCATCCTCTTGCCCATCAGTGCTTGCATTGTGGATGTCAGGATAATGTTTCAGAAA-3'